The following is an entry in ClinVar:

ClinVar aggregate classification (germline): Likely benign (0 of 4 stars; one submission).

Conditions:
SP8-related disorder. Also called: SP8-related condition.

Submission:

PreventionGenetics, part of Exact Sciences
Classification: Likely benign for SP8-related condition. Last evaluated: 2020-09-25. Review status: no assertion criteria provided. Collection method: clinical testing. Allele origin: germline.
Comment: This variant is classified as likely benign based on ACMG/AMP sequence variant interpretation guidelines (Richards et al. 2015 PMID: 25741868, with internal and published modifications).

NM_182700.6(SP8):c.288T>A (p.Ala96=)

Gene: SP8 (Sp8 transcription factor; minus strand). Cytogenetic location: 7p21.1.
Variant type: single nucleotide variant.
Coding change: c.288T>A on transcript NM_182700.6 (MANE Select); coding-DNA position 288, T replaced by A.
Protein change: p.Ala96=; no amino-acid change (alanine 96 retained).
Molecular consequence: synonymous variant.
Genome position (GRCh38, 1-based): chr7:20,785,529, A>T on the plus strand (T>A on the coding strand, the complement: SP8 is on the minus strand). VCF-style: chr7-20785529-A-T. GRCh37 (hg19) VCF-style: chr7-20825148-A-T.
Other names: c.234T>A, p.Ala78= (NM_198956.4).
Identifiers: ClinVar variation 3037997 (VCV003037997.2), dbSNP rs9769412, ClinGen allele CA454137773.